The following is an entry in ClinVar:

ClinVar aggregate classification (germline): Benign/Likely benign. Review status: criteria provided, multiple submitters, no conflicts (2 of 4 stars). 8 submissions from 8 submitters: Benign (5); Likely benign (3). Last evaluated 2026-05-09.

Conditions:
Thyroid dyshormonogenesis 6 (TDH6). Also called: HYPOTHYROIDISM, CONGENITAL, DUE TO DYSHORMONOGENESIS, 6; Genetic transient congenital hypothyroidism; THYROID HORMONOGENESIS, GENETIC DEFECT IN, 6. Identifiers: Orphanet 226316, Orphanet 95716, MedGen C1846632, MONDO:0011792, OMIM 607200.

Allele frequency attached by ClinVar (database versions not stated): 1000 Genomes Project 0.06310; 1000 Genomes Project 30x 0.06449; ExAC 0.06728; gnomAD exomes 0.06732 and 0.07118; gnomAD 0.07463 and 0.07581; TOPMed 0.07495; ESP Exome Variant Server 0.07866.

Submissions (8):

Women's Health and Genetics/Laboratory Corporation of America, LabCorp
Classification: Benign. Last evaluated: 2026-05-09. Review status: criteria provided, single submitter. Criteria: LabCorp Variant Classification Summary - May 2015. Collection method: clinical testing. Allele origin: germline.

Labcorp Genetics (formerly Invitae), Labcorp
Classification: Benign. Last evaluated: 2026-02-03. Review status: criteria provided, single submitter. Criteria: Invitae Variant Classification Sherloc (09022015). Collection method: clinical testing. Allele origin: germline.

Blueprint Genetics
Classification: Likely benign. Last evaluated: 2024-11-27. Review status: criteria provided, single submitter. Criteria: ACMG Guidelines, 2015. Collection method: clinical testing. Allele origin: germline.

Mayo Clinic Laboratories, Mayo Clinic
Classification: Benign. Last evaluated: 2022-09-06. Review status: criteria provided, single submitter. Criteria: ACMG Guidelines, 2015. Collection method: clinical testing. Allele origin: germline. Observed: 9 variant alleles.

GeneDx
Classification: Benign. Last evaluated: 2018-07-09. Review status: criteria provided, single submitter. Criteria: GeneDx Variant Classification Process June 2021. Collection method: clinical testing. Allele origin: germline. Affected: yes.

Illumina Laboratory Services, Illumina
Classification: Likely benign for Thyroid dyshormonogenesis 6. Last evaluated: 2018-01-12. Review status: criteria provided, single submitter. Criteria: ICSL Variant Classification Criteria 13 December 2019. Collection method: clinical testing. Allele origin: germline.
Comment: This variant was observed in the ICSL laboratory as part of a predisposition screen in an ostensibly healthy population. It had not been previously curated by ICSL or reported in the Human Gene Mutation Database (HGMD: prior to June 1st, 2018), and was therefore a candidate for classification through an automated scoring system. Utilizing variant allele frequency, disease prevalence and penetrance estimates, and inheritance mode, an automated score was calculated to assess if this variant is too frequent to cause the disease. Based on the score and internal cut-off values, a variant classified as likely benign is not then subjected to further curation. The score for this variant resulted in a classification of likely benign for this disease.

Breakthrough Genomics
Classification: Likely benign. Review status: criteria provided, single submitter. Criteria: ACMG Guidelines, 2015. Collection method: not provided. Allele origin: germline. Inheritance: Autosomal recessive inheritance. Affected: yes.

PreventionGenetics, part of Exact Sciences
Classification: Benign. Review status: criteria provided, single submitter. Criteria: ACMG Guidelines, 2015. Collection method: clinical testing. Allele origin: germline.

NM_001363711.2(DUOX2):c.2148+9C>T

Gene: DUOX2 (dual oxidase 2; minus strand). Cytogenetic location: 15q21.1.
Variant type: single nucleotide variant.
Coding change: c.2148+9C>T on transcript NM_001363711.2 (MANE Select); 9 bases into the intron after coding-DNA position 2148, C replaced by T.
Molecular consequence: intron variant.
Genome position (GRCh38, 1-based): chr15:45,106,116, G>A on the plus strand (C>T on the coding strand, the complement: DUOX2 is on the minus strand). VCF-style: chr15-45106116-G-A. GRCh37 (hg19) VCF-style: chr15-45398314-G-A.
Other names: p.?; c.2148+9C>T (NM_014080.5).
Identifiers: ClinVar variation 260319 (VCV000260319.20), dbSNP rs73406337, ClinGen allele CA7538373.